The following is an entry in ClinVar:

ClinVar aggregate classification (germline): Pathogenic (1 of 4 stars; one submission).

Submission:

GeneDx
Classification: Pathogenic. Last evaluated: 2024-11-18. Review status: criteria provided, single submitter. Criteria: GeneDx Variant Classification Process June 2021. Collection method: clinical testing. Allele origin: germline. Affected: yes.
Comment: Occurs in the triple helical domain and replaces a glycine in a canonical Gly-X-Y repeat; missense substitution of a canonical glycine residue is expected to disrupt normal protein folding and function, and this is an established mechanism of disease (PMID: 34007986); In silico analysis supports that this missense variant has a deleterious effect on protein structure/function; Not observed at significant frequency in large population cohorts (gnomAD); Has not been previously published as pathogenic or benign to our knowledge; This variant is associated with the following publications: (PMID: 34007986, 31680973)

NM_000088.4(COL1A1):c.2155G>C (p.Gly719Arg)

Gene: COL1A1 (collagen type I alpha 1 chain; minus strand). Cytogenetic location: 17q21.33.
Variant type: single nucleotide variant.
Coding change: c.2155G>C on transcript NM_000088.4 (MANE Select); coding-DNA position 2155, G replaced by C.
Protein change: p.Gly719Arg; replaces glycine 719 with arginine.
Molecular consequence: missense variant.
Genome position (GRCh38, 1-based): chr17:50,191,463, C>G on the plus strand (G>C on the coding strand, the complement: COL1A1 is on the minus strand). VCF-style: chr17-50191463-C-G. GRCh37 (hg19) VCF-style: chr17-48268824-C-G.
Other names: short protein forms G719R.
Identifiers: ClinVar variation 3900225 (VCV003900225.1).